The following is an entry in ClinVar:

NM_000368.5(TSC1):c.738-1G>C

Gene: TSC1 (TSC complex subunit 1; minus strand). Cytogenetic location: 9q34.13.
Variant type: single nucleotide variant.
Coding change: c.738-1G>C on transcript NM_000368.5 (MANE Select); the canonical splice acceptor site of the intron before coding-DNA position 738, G replaced by C.
Molecular consequence: splice acceptor variant.
Genome position (GRCh38, 1-based): chr9:132,912,458, C>G on the plus strand (G>C on the coding strand, the complement: TSC1 is on the minus strand). VCF-style: chr9-132912458-C-G. GRCh37 (hg19) VCF-style: chr9-135787845-C-G.
Other names: c.375-1G>C (NM_001406620.1, NM_001406618.1, NM_001406625.1 and 10 more transcripts); c.585-1G>C (NM_001406613.1, NM_001406612.1, NM_001406610.1 and 2 more transcripts); c.-214-1G>C (NM_001406627.1, NM_001406628.1, NM_001406626.1); c.-356-1G>C (NM_001406629.1, NM_001406630.1); c.738-1G>C (NM_001406603.1, NM_001406609.1, NM_001406597.1 and 16 more transcripts).
Identifiers: ClinVar variation 1457598 (VCV001457598.7), dbSNP rs1564490210, ClinGen allele CA375369753.

ClinVar aggregate classification (germline): Pathogenic. Review status: criteria provided, multiple submitters, no conflicts (2 of 4 stars). 2 submissions from 2 submitters: Pathogenic (2). Last evaluated 2026-01-23.

Conditions:
Tuberous sclerosis 1 (TSC1). Identifiers: Orphanet 805, MedGen C1854465, MONDO:0008612, OMIM 191100.

Submissions (2):

Otogenetics
Classification: Pathogenic for Tuberous sclerosis 1. Last evaluated: 2026-01-23. Review status: criteria provided, single submitter. Criteria: ACMG Guidelines, 2015. Collection method: clinical testing. Allele origin: germline.
Comment: PVS1: Null variant occurring in a canonical splice site (acceptor site) in gene with loss of function as mechanism of disease, disrupting the reading frame and predicted to undergo NMD; PM2: Variant not observed in gnomAD (<0.05% threshold); PP3: In-silico models predict deleterious effect (SpliceAI = 0.99, dbscSNV Ada = 1, dbscSNV RF = 0.93)

Labcorp Genetics (formerly Invitae), Labcorp
Classification: Pathogenic for Tuberous sclerosis 1. Last evaluated: 2021-11-03. Review status: criteria provided, single submitter. Criteria: Invitae Variant Classification Sherloc (09022015). Collection method: clinical testing. Allele origin: germline.
Comment: This sequence change affects an acceptor splice site in intron 8 of the TSC1 gene. It is expected to disrupt RNA splicing. Variants that disrupt the donor or acceptor splice site typically lead to a loss of protein function (PMID: 16199547), and loss-of-function variants in TSC1 are known to be pathogenic (PMID: 10227394, 17304050). This variant is not present in population databases (gnomAD no frequency). Disruption of this splice site has been observed in individuals with TSC1 related conditions (PMID: 19419980, 29432982). Algorithms developed to predict the effect of sequence changes on RNA splicing suggest that this variant may disrupt the consensus splice site. For these reasons, this variant has been classified as Pathogenic.

Literature cited by the submitters: PubMed 16199547 (cited by Labcorp Genetics (formerly Invitae), Labcorp); PubMed 10227394 (cited by Labcorp Genetics (formerly Invitae), Labcorp); PubMed 17304050 (cited by Labcorp Genetics (formerly Invitae), Labcorp); PubMed 19419980 (cited by Labcorp Genetics (formerly Invitae), Labcorp); PubMed 29432982 (cited by Labcorp Genetics (formerly Invitae), Labcorp).